The following is an entry in ClinVar:

ClinVar aggregate classification (germline): Uncertain significance (1 of 4 stars; one submission).

Submission:

Women's Health and Genetics/Laboratory Corporation of America, LabCorp
Classification: Uncertain significance. Last evaluated: 2026-03-17. Review status: criteria provided, single submitter. Criteria: LabCorp Variant Classification Summary - May 2015. Collection method: clinical testing. Allele origin: germline.
Comment: Variant summary: ECE1 c.1769G>T (p.Arg590Leu) results in a non-conservative amino acid change in the encoded protein sequence. Algorithms developed to predict the effect of missense changes on protein structure and function are either unavailable or do not agree on the potential impact of this missense change. The variant was absent in 161104 control chromosomes. The available data on variant occurrences in the general population are insufficient to allow any conclusion about variant significance. To our knowledge, no occurrence of c.1769G>T in individuals affected with ECE1-related conditions and no experimental evidence demonstrating its impact on protein function have been reported. No submitters have cited clinical-significance assessments for this variant to ClinVar. Based on the evidence outlined above, the variant was classified as uncertain significance.

NM_001397.3(ECE1):c.1769G>T (p.Arg590Leu)

Gene: ECE1 (endothelin converting enzyme 1; minus strand). Cytogenetic location: 1p36.12.
Variant type: single nucleotide variant.
Coding change: c.1769G>T on transcript NM_001397.3 (MANE Select); coding-DNA position 1769, G replaced by T.
Protein change: p.Arg590Leu; replaces arginine 590 with leucine.
Molecular consequence: missense variant.
Genome position (GRCh38, 1-based): chr1:21,227,943, C>A on the plus strand (G>T on the coding strand, the complement: ECE1 is on the minus strand). VCF-style: chr1-21227943-C-A. GRCh37 (hg19) VCF-style: chr1-21554436-C-A.
Other names: c.1733G>T, p.Arg578Leu (NM_001113347.2); c.1721G>T, p.Arg574Leu (NM_001113348.2); c.1760G>T, p.Arg587Leu (NM_001113349.2); short protein forms R574L, R578L, R587L, R590L.
Identifiers: ClinVar variation 4847136 (VCV004847136.1).
Genomic context (GRCh38, chr1:21,227,943, plus strand): 5'-CTGGGCTGGGGGAAAAGAATTGGGGTAGGGGCCCCAGAGGCAGCCTACTTGGGTGAGGAG[C>A]GTGTGTAGAATGGTGCCTGCAGGATCCCGGCCGGAAACACAATCTCATTCTTGGTGGGCG-3'
Protein context (NP_001388.1, residues 580-600): AGILQAPFYT[Arg590Leu]SSPKALNFGG